The following is an entry in ClinVar:

NM_181486.4(TBX5):c.710G>A (p.Arg237Gln)

Gene: TBX5 (T-box transcription factor 5; minus strand). Cytogenetic location: 12q24.21.
Variant type: single nucleotide variant.
Coding change: c.710G>A on transcript NM_181486.4 (MANE Select); coding-DNA position 710, G replaced by A.
Protein change: p.Arg237Gln; replaces arginine 237 with glutamine.
Molecular consequence: missense variant.
Genome position (GRCh38, 1-based): chr12:114,385,521, C>T on the plus strand (G>A on the coding strand, the complement: TBX5 is on the minus strand). VCF-style: chr12-114385521-C-T. GRCh37 (hg19) VCF-style: chr12-114823326-C-T.
Other names: p.R237Q:CGG>CAG; c.710G>A, p.Arg237Gln (NM_000192.3); c.560G>A, p.Arg187Gln (NM_080717.4); short protein forms R237Q, R187Q.
Identifiers: ClinVar variation 7993 (VCV000007993.28), dbSNP rs104894378, ClinGen allele CA254298.

ClinVar aggregate classification (germline): Pathogenic/Likely pathogenic. Review status: criteria provided, multiple submitters, no conflicts (2 of 4 stars). 12 submissions from 12 submitters: Pathogenic (8); Likely pathogenic (2). 2 of the submissions do not count toward it. Last evaluated 2026-06-19.

Conditions:
TBX5-related disorder. Also called: TBX5-related condition.
Cardiovascular phenotype. Identifiers: MedGen CN230736.
Aortic valve disease 2 (AOVD2). Identifiers: MedGen C3542024, MONDO:0013902, OMIM 614823.
Holt-Oram syndrome (HOS). Also called: Ventriculo-radial syndrome; Cardiac-limb syndrome; Heart-hand syndrome, type 1; TBX5-Related Holt-Oram Syndrome. Identifiers: Orphanet 392, MedGen C0265264, MONDO:0007732, OMIM 142900.

Allele frequency attached by ClinVar (database versions not stated): gnomAD 0.00001; TOPMed below 0.00001.
gnomAD v4.1: 1 of 1,614,020 alleles (0.000062%); highest among the groups gnomAD compares: African/African-American, 0.0013%; no homozygotes.

Submissions (12):

Institute of Medical Genetics and Applied Genomics, University Hospital Tübingen
Classification: Pathogenic for Holt-Oram syndrome. Last evaluated: 2026-06-19. Review status: criteria provided, single submitter. Criteria: ACMG Guidelines, 2015. Collection method: clinical testing. Allele origin: de novo. Inheritance: Autosomal dominant inheritance. Affected: yes.

Clinical Biomedical Laboratory, Shriners Hospital For Children - Canada
Classification: Pathogenic for Holt-Oram syndrome. Last evaluated: 2025-10-05. Review status: criteria provided, single submitter. Criteria: ACMG Guidelines, 2015. Collection method: clinical testing. Allele origin: germline. Affected: yes.
Comment: This variant is predicted to substitute an arginine residue by a glutamine residue in TBX5. This variant is very rare in the Genome Aggregation Database (v2.1.1). This variant in TBX5 has been published as a cause of Holt-Oram syndrome and cardiomyopathy (PMID 8988165, 10077612). Based on the ACMG variant interpretation guidelines, the available evidence supports classification of this variant as pathogenic.

Labcorp Genetics (formerly Invitae), Labcorp
Classification: Pathogenic for Aortic valve disease 2. Last evaluated: 2025-07-15. Review status: criteria provided, single submitter. Criteria: Invitae Variant Classification Sherloc (09022015). Collection method: clinical testing. Allele origin: germline.
Comment: This sequence change replaces arginine, which is basic and polar, with glutamine, which is neutral and polar, at codon 237 of the TBX5 protein (p.Arg237Gln). This variant is present in population databases (rs104894378, gnomAD 0.01%). This missense change has been observed in individual(s) with Holt-Oram syndrome (PMID: 8988165, 12789647). It has also been observed to segregate with disease in related individuals. ClinVar contains an entry for this variant (Variation ID: 7993). Invitae Evidence Modeling of protein sequence and biophysical properties (such as structural, functional, and spatial information, amino acid conservation, physicochemical variation, residue mobility, and thermodynamic stability) has been performed for this missense variant. However, the output from this modeling did not meet the statistical confidence thresholds required to predict the impact of this variant on TBX5 protein function. Experimental studies have shown that this missense change affects TBX5 function (PMID: 11555635, 12499378). This variant disrupts the p.Arg237 amino acid residue in TBX5. Other variant(s) that disrupt this residue have been determined to be pathogenic (PMID: 10077612, 12499378, 12789647, 20519243). This suggests that this residue is clinically significant, and that variants that disrupt this residue are likely to be disease-causing. For these reasons, this variant has been classified as Pathogenic.

Ambry Genetics
Classification: Likely pathogenic for Cardiovascular phenotype. Last evaluated: 2025-05-06. Review status: criteria provided, single submitter. Criteria: Ambry Variant Classification Scheme 2023. Collection method: clinical testing. Allele origin: germline.
Comment: The p.R237Q variant (also known as c.710G>A), located in coding exon 6 of the TBX5 gene, results from a G to A substitution at nucleotide position 710. The arginine at codon 237 is replaced by glutamine, an amino acid with highly similar properties. This variant has been identified in multiple individuals with clinical diagnoses of Holt-Oram syndrome (Basson CT et al. Nat. Genet., 1997 Jan;15:30-5; Debeer P et al. Clin. Orthop. Relat. Res., 2007 Sep;462:20-6; Vanlerberghe C et al. Eur. J. Hum. Genet., 2019 03;27:360-368). Functional studies suggest that this alteration may affect TBX5 binding affinity to other transcription factors (Ghosh TK et al. Hum. Mol. Genet., 2001 Sep;10:1983-94; Fan C et al. J. Biol. Chem., 2003 Mar;278:8780-5). This variant is considered to be rare based on population cohorts in the Genome Aggregation Database (gnomAD). This amino acid position is highly conserved in available vertebrate species. In addition, this alteration is predicted to be deleterious by in silico analysis. Based on the majority of available evidence to date, this variant is likely to be pathogenic.

3billion
Classification: Pathogenic for Holt-Oram syndrome. Last evaluated: 2024-06-18. Review status: criteria provided, single submitter. Criteria: ACMG Guidelines, 2015. Collection method: clinical testing. Allele origin: germline. Affected: yes.
Comment: The variant is observed at an extremely low frequency in the gnomAD v4.0.0 dataset (total allele frequency: <0.001%). Predicted Consequence/Location: The majority of the known disease-causing variants of this gene are variants expected to result in premature termination of the protein. Functional studies provide strong evidence of the variant having a damaging effect on the gene or gene product (PMID: 12499378). In silico tool predictions suggest damaging effect of the variant on gene or gene product [REVEL: 0.92 (>=0.6, sensitivity 0.68 and specificity 0.92); 3Cnet: 0.93 (>=0.6, sensitivity 0.72 and precision 0.9)]. The same nucleotide change resulting in the same amino acid change has been previously reported as pathogenic/likely pathogenic with strong evidence (ClinVar ID: VCV000007993 /PMID: 8988165). The variant has been reported to co-segregate with the disease in at least 3 similarly affected relatives/individuals in the same family or similarly affected unrelated families (PMID: 12789647). Different missense changes at the same codon (p.Arg237Pro, p.Arg237Trp) has been reported as pathogenic/likely pathogenic with strong evidence (ClinVar ID: VCV000007995, VCV000372783 /PMID: 10077612, 20519243 /3billion dataset). Therefore, this variant is classified as Pathogenic according to the recommendation of ACMG/AMP guideline.

Greenwood Genetic Center Diagnostic Laboratories, Greenwood Genetic Center
Classification: Pathogenic for Holt-Oram syndrome. Last evaluated: 2023-01-19. Review status: criteria provided, single submitter. Criteria: ACMG Guidelines, 2015. Collection method: clinical testing. Allele origin: germline. Affected: yes.
Comment: PS3, PM1, PM5, PP3, PS4_supporting

GeneDx
Classification: Pathogenic. Last evaluated: 2021-12-21. Review status: criteria provided, single submitter. Criteria: GeneDx Variant Classification Process June 2021. Collection method: clinical testing. Allele origin: germline. Affected: yes.
Comment: In vitro functional studies demonstrated a damaging effect through reduced DNA-binding activity, reduced transcriptional activation, and failure to act with NKX2.5 in transcriptional activation in comparison to wild-type (Fan et al., 2003; Zhou et al., 2015); Not observed at significant frequency in large population cohorts (Lek et al., 2016); This variant is associated with the following publications: (PMID: 28337273, 20519243, 12499378, 19648116, 28164238, 30552424, 20450920, 11431700, 21897873, 12789647, 10077612, 32449309, 8988165, 25986147, 25680289, 11555635)

Fulgent Genetics
Classification: Pathogenic for Holt-Oram syndrome. Last evaluated: 2021-12-13. Review status: criteria provided, single submitter. Criteria: ACMG Guidelines, 2015. Collection method: clinical testing. Allele origin: unknown.

Blueprint Genetics
Classification: Pathogenic for TBX5-related disorders. Last evaluated: 2021-07-26. Review status: criteria provided, single submitter. Criteria: ACMG Guidelines, 2015. Collection method: clinical testing. Allele origin: germline. Affected: yes. Observed: 2 variant alleles.

Laboratory for Molecular Medicine, Mass General Brigham Personalized Medicine
Classification: Likely pathogenic for Holt-Oram syndrome. Last evaluated: 2013-04-12. Review status: criteria provided, single submitter. Criteria: LMM Criteria. Collection method: clinical testing. Allele origin: germline. Inheritance: Autosomal dominant inheritance. Observed: 1 variant allele.
Comment: The Arg237Gln variant in TBX5 has been reported in two individuals with Holt-Ora m syndrome and segregated with disease in one affected relative (Basson 1997, Ba sson 1999). This variant has not been identified in large population studies, bu t is listed in dbSNP without frequency information (rs104894378). The TBX5 gene encodes a transcription factor and the variant is located in the DNA binding dom ain and functional studies indicate that it affects protein function (Ghosh 2001 , Hiroi 2001, Fan 2003, Fan 2009, Stirnimann 2010, Wang 2011). Computational ana lyses (biochemical amino acid properties, conservation, AlignGVGD, PolyPhen2, an d SIFT) also support that this variant may impact the protein as does the presen ce of other variants at this position that have been detected in individuals wit h Holt Oram syndrome (Arg237Pro, Arg237Trp; Basson 1999, Boogerd 2010). In summa ry, the Arg237Gln variant is likely pathogenic, though additional studies are re quired to fully establish its clinical significance.

Centre de Biologie Pathologie Génétique, Centre Hospitalier Universitaire de Lille
Classification: Pathogenic for Holt-Oram syndrome. Last evaluated: 2018-06-14. Review status: no assertion criteria provided. Collection method: clinical testing. Allele origin: maternal, unknown. Affected: yes. Not counted in ClinVar's aggregate classification.

OMIM
Classification: Pathogenic for HOLT-ORAM SYNDROME. Last evaluated: 1999-03-16. Review status: no assertion criteria provided. Collection method: literature only. Allele origin: germline. Not counted in ClinVar's aggregate classification.

Literature cited by the submitters: PubMed 8988165 (cited by 6 submitters); PubMed 10077612 (cited by 5 submitters); PubMed 12789647 (cited by 3 submitters); PubMed 11555635 (cited by 3 submitters); PubMed 12499378 (cited by 4 submitters); PubMed 20519243 (cited by Labcorp Genetics (formerly Invitae), Labcorp and Laboratory for Molecular Medicine, Mass General Brigham Personalized Medicine); PubMed 17534187 (cited by Ambry Genetics); PubMed 30552424 (cited by Ambry Genetics); PubMed 11431700 (cited by Laboratory for Molecular Medicine, Mass General Brigham Personalized Medicine); PubMed 19648116 (cited by Laboratory for Molecular Medicine, Mass General Brigham Personalized Medicine); PubMed 20450920 (cited by Laboratory for Molecular Medicine, Mass General Brigham Personalized Medicine); PubMed 21897873 (cited by Laboratory for Molecular Medicine, Mass General Brigham Personalized Medicine).